The following is an entry in ClinVar:

NM_172107.4(KCNQ2):c.258_259delinsAA (p.Glu86_Arg87=)

Gene: KCNQ2 (potassium voltage-gated channel subfamily Q member 2; minus strand). Cytogenetic location: 20q13.33.
Variant type: Indel.
Coding change: c.258_259delinsAA on transcript NM_172107.4 (MANE Select); coding-DNA positions 258 to 259, GC replaced by AA.
Protein change: p.Glu86_Arg87=.
Molecular consequence: synonymous variant.
Genome position (GRCh38, 1-based): chr20:63,472,205-63,472,206, GC replaced by TT on the plus strand (GC replaced by AA on the coding strand, the reverse complement: KCNQ2 is on the minus strand). VCF-style: chr20-63472205-GC-TT. GRCh37 (hg19) VCF-style: chr20-62103558-GC-TT.
Other names: c.258_259delinsAA, p.Glu86_Arg87= (NM_001382235.1, NM_004518.6, NM_172106.3 and 2 more transcripts).
Identifiers: ClinVar variation 1480299 (VCV001480299.7), dbSNP rs2145921082, ClinGen allele CA2573157297.
Genomic context (GRCh38, chr20:63,472,205, plus strand): 5'-CGGGGGCCCCGCCGGCCACTCACACGTAGGCGTGGTAGATGAACGCCCAGCCGCGCGGCC[GC>TT]TCCAGCACGTTGTAGAGGAAATTCTGCAGCTTGCGGTAGAAGGCGTTGCGCTTGGGGGGC-3'

ClinVar aggregate classification (germline): Uncertain significance (1 of 4 stars; one submission).

Conditions:
Early-infantile DEE. Also called: Ohtahara syndrome; Early infantile epileptic encephalopathy with suppression bursts; Early infantile epileptic encephalopathy. Identifiers: Orphanet 1934, MedGen C0393706, MONDO:0800491.

Submission:

Labcorp Genetics (formerly Invitae), Labcorp
Classification: Uncertain significance for Early-infantile DEE. Last evaluated: 2021-11-30. Review status: criteria provided, single submitter. Criteria: Invitae Variant Classification Sherloc (09022015). Collection method: clinical testing. Allele origin: germline.
Comment: This sequence change affects codon 86 of the KCNQ2 mRNA. It is a 'silent' change, meaning that it does not change the encoded amino acid sequence of the KCNQ2 protein. Information on the frequency of this variant in the gnomAD database is not available, as this variant may be reported differently in the database. This variant has not been reported in the literature in individuals affected with KCNQ2-related conditions. Algorithms developed to predict the effect of sequence changes on RNA splicing suggest that this variant may create or strengthen a splice site. In summary, the available evidence is currently insufficient to determine the role of this variant in disease. Therefore, it has been classified as a Variant of Uncertain Significance.